The following is an entry in ClinVar:

NM_001042492.3(NF1):c.2201_2215del (p.Asn734_Phe738del)

Gene: NF1 (neurofibromin 1; plus strand). Cytogenetic location: 17q11.2.
Variant type: Deletion.
Coding change: c.2201_2215del on transcript NM_001042492.3 (MANE Select); coding-DNA positions 2201 to 2215, 15 bases deleted (ACTATAACACATTCA).
Protein change: p.Asn734_Phe738del.
Molecular consequence: inframe deletion. On other transcripts: inframe indel (1).
Genome position (GRCh38, 1-based): chr17:31,226,634-31,226,648, ACTATAACACATTCA deleted; deleting any 15 consecutive bases within chr17:31,226,632-31,226,648 gives the same sequence; the c. name uses the placement nearest the transcript's 3' end. VCF-style (leftmost placement, unchanged base first): chr17-31226631-CCAACTATAACACATT-C. GRCh37 (hg19) VCF-style: chr17-29553649-CCAACTATAACACATT-C.
Other names: c.2201_2215del15 (NM_000267.3); c.2201_2215delACTATAACACATTCA, p.Asn734_Phe738del (NM_000267.4).
Identifiers: ClinVar variation 1787633 (VCV001787633.2), dbSNP rs2508158078, ClinGen allele CA2580093169.

ClinVar aggregate classification (germline): Uncertain significance (1 of 4 stars; one submission).

Conditions:
Hereditary cancer-predisposing syndrome. Also called: Neoplastic Syndromes, Hereditary; Tumor predisposition; Hereditary Cancer Syndrome; Hereditary neoplastic syndrome. Identifiers: Orphanet 140162, MedGen C0027672, MeSH D009386, MONDO:0015356.
Cardiovascular phenotype. Identifiers: MedGen CN230736.

Submission:

Ambry Genetics
Classification: Uncertain significance for Cardiovascular phenotype; Hereditary cancer-predisposing syndrome. Last evaluated: 2022-01-07. Review status: criteria provided, single submitter. Criteria: Ambry Variant Classification Scheme 2023. Collection method: clinical testing. Allele origin: germline.
Comment: The c.2201_2215del15 variant (also known as p.N734_F738del) is located in coding exon 18 of the NF1 gene. This variant results from an in-frame ACTATAACACATTCA deletion at nucleotide positions 2201 to 2215. This results in the in-frame deletion of 5 amino acid residues (NYNTF) a at codons 734 to 738. This amino acid region is well conserved in available vertebrate species. In addition, this alteration is predicted to be deleterious by in silico analysis (Choi Y et al. PLoS ONE. 2012; 7(10):e46688). Since supporting evidence is limited at this time, the clinical significance of this alteration remains unclear.